The following is an entry in ClinVar:

NM_014797.3(ZBTB24):c.1399T>A (p.Cys467Ser)

Gene: ZBTB24 (zinc finger and BTB domain containing 24; minus strand). Cytogenetic location: 6q21.
Variant type: single nucleotide variant.
Coding change: c.1399T>A on transcript NM_014797.3 (MANE Select); coding-DNA position 1399, T replaced by A.
Protein change: p.Cys467Ser; replaces cysteine 467 with serine.
Molecular consequence: missense variant.
Genome position (GRCh38, 1-based): chr6:109,466,546, A>T on the plus strand (T>A on the coding strand, the complement: ZBTB24 is on the minus strand). VCF-style: chr6-109466546-A-T. GRCh37 (hg19) VCF-style: chr6-109787749-A-T.
Other names: short protein forms C467S.
Identifiers: ClinVar variation 2016253 (VCV002016253.4), dbSNP rs2482852726, ClinGen allele CA365197062.

ClinVar aggregate classification (germline): Uncertain significance (1 of 4 stars; one submission).

Conditions:
Immunodeficiency-centromeric instability-facial anomalies syndrome 2 (ICF2). Identifiers: Orphanet 2268, MedGen C3279748, MONDO:0013553, OMIM 614069.

Submission:

Labcorp Genetics (formerly Invitae), Labcorp
Classification: Uncertain significance for Immunodeficiency-centromeric instability-facial anomalies syndrome 2. Last evaluated: 2023-12-11. Review status: criteria provided, single submitter. Criteria: Invitae Variant Classification Sherloc (09022015). Collection method: clinical testing. Allele origin: germline.
Comment: This sequence change replaces cysteine, which is neutral and slightly polar, with serine, which is neutral and polar, at codon 467 of the ZBTB24 protein (p.Cys467Ser). This variant is not present in population databases (gnomAD no frequency). This variant has not been reported in the literature in individuals affected with ZBTB24-related conditions. ClinVar contains an entry for this variant (Variation ID: 2016253). An algorithm developed to predict the effect of missense changes on protein structure and function (PolyPhen-2) suggests that this variant is likely to be disruptive. In summary, the available evidence is currently insufficient to determine the role of this variant in disease. Therefore, it has been classified as a Variant of Uncertain Significance.